The following is an entry in ClinVar:

NM_001267550.2(TTN):c.3100G>A (p.Val1034Met)

Gene: TTN (titin; minus strand). Cytogenetic location: 2q31.2.
Variant type: single nucleotide variant.
Coding change: c.3100G>A on transcript NM_001267550.2 (MANE Select); coding-DNA position 3100, G replaced by A.
Protein change: p.Val1034Met; replaces valine 1034 with methionine.
Molecular consequence: missense variant.
Genome position (GRCh38, 1-based): chr2:178,782,806, C>T on the plus strand (G>A on the coding strand, the complement: TTN is on the minus strand). VCF-style: chr2-178782806-C-T. GRCh37 (hg19) VCF-style: chr2-179647533-C-T.
Other names: p.V1034M:GTG>ATG; c.3100G>A, p.Val1034Met (NM_001256850.1, NM_133378.4, NM_133379.5); c.3100G>A (LRG_391t1, NM_001267550.1); c.2962G>A, p.Val988Met (NM_003319.4, NM_133432.3, NM_133437.4); short protein forms V1034M, V988M.
Identifiers: ClinVar variation 46910 (VCV000046910.80), dbSNP rs142951505, ClinGen allele CA139491.
Genomic context (GRCh38, chr2:178,782,806, plus strand): 5'-AAGAGTGTCAGATGAAAGTGATGGCATGTGCATTAGGACTGTGGGAGGGTGGCCACTAAC[C>T]CTGCACAGCCAGATAGCAGGATGTGCTGACGGTTCCAGCCTCATTTACAGCACTGCAAGT-3'
Protein context (NP_001254479.2, residues 1024-1044): VSTSCYLAVQ[Val1034Met]SEEFEKETTA

ClinVar aggregate classification (germline): Conflicting classifications of pathogenicity. Review status: criteria provided, conflicting classifications (1 of 4 stars). 24 submissions from 19 submitters: Uncertain significance (8); Benign (3); Likely benign (9). 4 of the submissions do not count toward it. Last evaluated 2026-09-01.

Conditions:
Cardiovascular phenotype. Identifiers: MedGen CN230736.
TTN-related disorder. Also called: TTN-related disorders; TTN-related condition; TTN-related disease.
Dilated cardiomyopathy 1G (CMD1G). Identifiers: Orphanet 154, MedGen C1858763, MONDO:0011400, OMIM 604145.
Autosomal recessive limb-girdle muscular dystrophy type 2J (LGMDR10). Also called: MUSCULAR DYSTROPHY, LIMB-GIRDLE, AUTOSOMAL RECESSIVE 10; Limb-girdle muscular dystrophy, type 2J. Identifiers: Orphanet 140922, MedGen C1837342, MONDO:0012127, OMIM 608807.
Primary ciliary dyskinesia. Also called: Ciliary dyskinesia. Identifiers: Orphanet 244, MedGen C0008780, MONDO:0016575, HP:0012265.
Cardiomyopathy (CMYO). Also called: Cardiomyopathies. Identifiers: Orphanet 167848, MedGen C0878544, MONDO:0004994, HP:0001638. Inheritance: Various modes of inheritance.
Myopathy, myofibrillar, 9, with early respiratory failure (MFM9). Also called: Myopathy, distal, with early respiratory failure, autosomal dominant; Hereditary myopathy with early respiratory failure; MYOPATHY, PROXIMAL, WITH EARLY RESPIRATORY MUSCLE INVOLVEMENT; EDSTROM MYOPATHY. Identifiers: Orphanet 178464, Orphanet 34521, MedGen C1863599, MONDO:0011362, OMIM 603689.
Early-onset myopathy with fatal cardiomyopathy (CMYO5). Also called: CONGENITAL MYOPATHY 5 WITH CARDIOMYOPATHY; Salih Myopathy. Identifiers: Orphanet 289377, MedGen C2673677, MONDO:0012714, OMIM 611705. Disease mechanism: loss of function.
Tibial muscular dystrophy (TMD). Also called: Udd Distal Myopathy – Tibial Muscular Dystrophy; Tibial muscular dystrophy, tardive; UDD MYOPATHY. Identifiers: Orphanet 609, MedGen C1838244, MONDO:0010870, OMIM 600334.
Primary dilated cardiomyopathy (DCM). Also called: Dilated Cardiomyopathy. Identifiers: Orphanet 217604, MedGen C0007193, MeSH D002311, MONDO:0005021, HP:0001644. Inheritance: Various modes of inheritance.
Tip-toe gait. Also called: Toe walking. Identifiers: MedGen C0427144, HP:0030051.

Allele frequency attached by ClinVar (database versions not stated): 1000 Genomes Project 0.00040; TOPMed 0.00042; gnomAD exomes 0.00081 and 0.00101; gnomAD 0.00061 and 0.00062; ExAC 0.00095; 1000 Genomes Project 30x 0.00047; ESP Exome Variant Server 0.00077.
gnomAD v4.1: 1,541 of 1,612,670 alleles (0.096%); highest among the groups gnomAD compares: Non-Finnish European, 0.11%; 1 homozygote.

Submissions 1 to 15 of 24:

CeGaT Center for Human Genetics Tuebingen
Classification: Likely benign. Last evaluated: 2026-09-01. Review status: criteria provided, single submitter. Criteria: CeGaT Center For Human Genetics Tuebingen Variant Classification Criteria Version 2. Collection method: clinical testing. Allele origin: germline. Affected: yes. Observed: 16 variant alleles.
Comment: TTN: BP1, BP4

Department of Human Genetics, Hannover Medical School
Classification: Uncertain significance for Primary Ciliary Dyskinesia. Last evaluated: 2026-04-01. Review status: criteria provided, single submitter. Criteria: ACMG Guidelines, 2015. Collection method: research. Allele origin: germline. Affected: no.
Comment: Classification performed by HerediClassify using the following criteria:['PM2_supporting: Variant occures does not occur as homozygous in gnomAD.', 'PP3_splicing_supporting: Variant is predicted to have a splice effect by SpliceAI with evidence strength supporting.', "PP4_moderate: The modified PICADAR socre of 4.0 exceeds threshold of 3 achieving 'moderate' evidence strength."]

Labcorp Genetics (formerly Invitae), Labcorp
Classification: Likely benign for Dilated cardiomyopathy 1G; Autosomal recessive limb-girdle muscular dystrophy type 2J. Last evaluated: 2026-01-26. Review status: criteria provided, single submitter. Criteria: Invitae Variant Classification Sherloc (09022015). Collection method: clinical testing. Allele origin: germline.

Blueprint Genetics
Classification: Likely benign. Last evaluated: 2024-10-10. Review status: criteria provided, single submitter. Criteria: ACMG Guidelines, 2015. Collection method: clinical testing. Allele origin: germline.

Athena Diagnostics
Classification: Likely benign. Last evaluated: 2023-10-06. Review status: criteria provided, single submitter. Criteria: Athena Diagnostics Criteria. Collection method: clinical testing. Allele origin: unknown.

CHEO Genetics Diagnostic Laboratory, Children's Hospital of Eastern Ontario
Classification: Likely benign for Cardiomyopathy. Last evaluated: 2021-10-26. Review status: criteria provided, single submitter. Criteria: ACMG Guidelines, 2015. Collection method: clinical testing. Allele origin: germline.

Women's Health and Genetics/Laboratory Corporation of America, LabCorp
Classification: Likely benign. Last evaluated: 2021-07-27. Review status: criteria provided, single submitter. Criteria: LabCorp Variant Classification Summary - May 2015. Collection method: clinical testing. Allele origin: germline.
Comment: Variant summary: TTN c.3100G>A (p.Val1034Met) results in a conservative amino acid change located in the near Z-disk region (Ig-like domain) of the encoded protein sequence. Three of five in-silico tools predict a benign effect of the variant on protein function. Several computational tools predict a significant impact on normal splicing: Three predict the variant abolishes a 5 splicing donor site. Two predict the variant weakens a 3 acceptor site. However, these predictions have yet to be confirmed by functional studies. The variant allele was found at a frequency of 0.00081 in 250400 control chromosomes, predominantly at a frequency of 0.0011 within the Non-Finnish European subpopulation in the gnomAD database. The observed variant frequency within Non-Finnish European control individuals in the gnomAD database is approximately 2 fold of the estimated maximal expected allele frequency for a pathogenic variant in TTN causing Cardiomyopathy phenotype (0.00063), strongly suggesting that the variant is a benign polymorphism found primarily in populations of Non-Finnish European origin. c.3100G>A has been reported in the literature in individuals affected with various phenotypes including end-stage dilated cardiomyopathy, dilated cardiomyopathy, hypertrophic cardiomyopathy and limb gridle muscular dystrophy (e.g. Roberts_2015, Haas_2015, Lopes_2013, Vasli_2012). These reports do not provide unequivocal conclusions about association of the variant with Cardiomyopathy. To our knowledge, no experimental evidence demonstrating an impact on protein function has been reported. Eleven ClinVar submitters (evaluation after 2014) cite the variant as benign (n=2), likely benign (n=2) and uncertain significance (n=7). Based on the evidence outlined above, the variant was classified as likely benign.

Genetic Services Laboratory, University of Chicago
Classification: Likely benign. Last evaluated: 2021-03-04. Review status: criteria provided, single submitter. Criteria: ACMG Guidelines, 2015. Collection method: clinical testing. Allele origin: germline. Affected: no.

Ambry Genetics
Classification: Likely benign for Cardiovascular phenotype. Last evaluated: 2020-08-31. Review status: criteria provided, single submitter. Criteria: Ambry Autosomal Dominant and X-Linked criteria (7/2020). Collection method: clinical testing. Allele origin: germline. Observed: 1 variant allele.
Comment: Other strong data supporting benign classification

Mendelics
Classification: Benign for Dilated cardiomyopathy 1G. Last evaluated: 2019-05-28. Review status: criteria provided, single submitter. Criteria: Mendelics Assertion Criteria 2017. Collection method: clinical testing. Allele origin: unknown.

Illumina Laboratory Services, Illumina
Classification: Benign for Tibial muscular dystrophy. Last evaluated: 2017-04-27. Review status: criteria provided, single submitter. Criteria: ICSL Variant Classification Criteria 13 December 2019. Collection method: clinical testing. Allele origin: germline.
Comment: This variant was observed as part of a predisposition screen in an ostensibly healthy population. A literature search was performed for the gene, cDNA change, and amino acid change (where applicable). No publications were found based on this search. Allele frequency data from public databases was too high to be consistent with this variant causing disease. Therefore, this variant is classified as benign.

Illumina Laboratory Services, Illumina
Classification: Uncertain significance for Dilated cardiomyopathy 1G. Last evaluated: 2017-04-27. Review status: criteria provided, single submitter. Criteria: ICSL Variant Classification Criteria 13 December 2019. Collection method: clinical testing. Allele origin: germline.
Comment: This variant was observed as part of a predisposition screen in an ostensibly healthy population. A literature search was performed for the gene, cDNA change, and amino acid change (where applicable). Publications were found based on this search. However, the evidence from the literature, in combination with allele frequency data from public databases where available, was not sufficient to rule this variant in or out of causing disease. Therefore, this variant is classified as a variant of unknown significance.

Illumina Laboratory Services, Illumina
Classification: Uncertain significance for Early-onset myopathy with fatal cardiomyopathy. Last evaluated: 2017-04-27. Review status: criteria provided, single submitter. Criteria: ICSL Variant Classification Criteria 13 December 2019. Collection method: clinical testing. Allele origin: germline.

Illumina Laboratory Services, Illumina
Classification: Benign for Myopathy, myofibrillar, 9, with early respiratory failure. Last evaluated: 2017-04-27. Review status: criteria provided, single submitter. Criteria: ICSL Variant Classification Criteria 13 December 2019. Collection method: clinical testing. Allele origin: germline.
Comment: the same text as in the submission from Illumina Laboratory Services, Illumina above.

ARUP Laboratories, Molecular Genetics and Genomics, ARUP Laboratories
Classification: Uncertain significance. Last evaluated: 2017-03-11. Review status: criteria provided, single submitter. Criteria: ARUP Molecular Germline Variant Investigation Process. Collection method: clinical testing. Allele origin: germline.